The following is an entry in ClinVar:

NM_000350.3(ABCA4):c.6148-2A>G

Gene: ABCA4 (ATP binding cassette subfamily A member 4; minus strand). Cytogenetic location: 1p22.1.
Variant type: single nucleotide variant.
Coding change: c.6148-2A>G on transcript NM_000350.3 (MANE Select); the canonical splice acceptor site of the intron before coding-DNA position 6148, A replaced by G.
Molecular consequence: splice acceptor variant.
Genome position (GRCh38, 1-based): chr1:94,001,994, T>C on the plus strand (A>G on the coding strand, the complement: ABCA4 is on the minus strand). VCF-style: chr1-94001994-T-C. GRCh37 (hg19) VCF-style: chr1-94467550-T-C.
Identifiers: ClinVar variation 2507050 (VCV002507050.3), dbSNP rs1162214541, ClinGen allele CA341278422.

ClinVar aggregate classification (germline): Pathogenic/Likely pathogenic. Review status: criteria provided, multiple submitters, no conflicts (2 of 4 stars). 3 submissions from 3 submitters: Pathogenic (1); Likely pathogenic (2). Last evaluated 2025-04-06.

Conditions:
Retinal dystrophy. Also called: Inherited retinal dystrophy. Identifiers: Orphanet 71862, MedGen C0854723, MeSH D058499, MONDO:0019118, HP:0000556.
Autosomal recessive ABCA4-related disorders.

Submissions (3):

Variantyx, Inc.
Classification: Likely pathogenic for Autosomal recessive ABCA4-related disorders. Last evaluated: 2025-04-06. Review status: criteria provided, single submitter. Criteria: Variantyx Assertion Criteria 2022. Collection method: clinical testing. Allele origin: germline. Inheritance: Autosomal recessive inheritance. Affected: no.
Comment: This is a canonical splicing variant in the ABCA4 gene (OMIM: 601691). Pathogenic variants in this gene have been associated with autosomal recessive ABCA4-related disorders. This splicing variant is expected to result in loss of function, which is a known disease mechanism for ABCA4 in this disorder (PMID: 25312043) (PVS1). This variant is absent from control populations (PM2). Based on the current evidence, this variant is classified as likely pathogenic for autosomal recessive ABCA4-related disorders.No other variant of clinical significance was identified in the ABCA4 gene.

GeneDx
Classification: Likely pathogenic. Last evaluated: 2023-06-15. Review status: criteria provided, single submitter. Criteria: GeneDx Variant Classification Process June 2021. Collection method: clinical testing. Allele origin: germline. Affected: yes.
Comment: Canonical splice site variant predicted to result in an in-frame loss of the adjacent exon in a gene for which loss of function is a known mechanism of disease; Not observed at a significant frequency in large population cohorts (gnomAD); Has not been previously published as pathogenic or benign to our knowledge; This variant is associated with the following publications: (PMID: 31964843)

Institute of Human Genetics, Univ. Regensburg, Univ. Regensburg
Classification: Pathogenic for Retinal dystrophy. Last evaluated: 2018-01-01. Review status: criteria provided, single submitter. Criteria: ACMG Guidelines, 2015. Collection method: clinical testing. Allele origin: germline. Affected: yes.

Literature cited by the submitters: PubMed 10958761 (cited by Variantyx, Inc.); PubMed 24938718 (cited by Variantyx, Inc.); PubMed 25312043 (cited by Variantyx, Inc.); PubMed 26780318 (cited by Variantyx, Inc.); PubMed 31964843 (cited by Institute of Human Genetics, Univ. Regensburg, Univ. Regensburg).